The following is an entry in ClinVar:

NM_006767.4(LZTR1):c.2248_2249insTAGG (p.Gly750fs)

Gene: LZTR1 (leucine zipper like post translational regulator 1; plus strand). Cytogenetic location: 22q11.21.
Variant type: Insertion.
Coding change: c.2248_2249insTAGG on transcript NM_006767.4 (MANE Select); coding-DNA positions 2248 to 2249, TAGG inserted.
Protein change: p.Gly750fs; shifts the reading frame from glycine 750.
Molecular consequence: frameshift variant.
Genome position: GRCh38 VCF-style: chr22-20996723-C-CGTAG. GRCh37 (hg19) VCF-style: chr22-21351012-C-CGTAG.
Other names: short protein forms G750fs.
Identifiers: ClinVar variation 4768510 (VCV004768510.1).

ClinVar aggregate classification (germline): Pathogenic (1 of 4 stars; one submission).

Submission:

Labcorp Genetics (formerly Invitae), Labcorp
Classification: Pathogenic. Last evaluated: 2025-07-20. Review status: criteria provided, single submitter. Criteria: Invitae Variant Classification Sherloc (09022015). Collection method: clinical testing. Allele origin: germline.
Comment: This sequence change creates a premature translational stop signal (p.Gly750Valfs*33) in the LZTR1 gene. It is expected to result in an absent or disrupted protein product. Loss-of-function variants in LZTR1 are known to be pathogenic (PMID: 24362817, 25335493, 25480913, 25795793, 29469822, 30368668, 30442762, 30442766, 30481304, 30859559). This variant is not present in population databases (gnomAD no frequency). This variant has not been reported in the literature in individuals affected with LZTR1-related conditions. Algorithms developed to predict the effect of sequence changes on RNA splicing suggest that this variant may create or strengthen a splice site. For these reasons, this variant has been classified as Pathogenic.

Literature cited by the submitters: PubMed 24362817; PubMed 25335493; PubMed 25480913; PubMed 25795793; PubMed 29469822; PubMed 30368668; PubMed 30442762; PubMed 30442766; PubMed 30481304; PubMed 30859559.